The following is an entry in ClinVar:

ClinVar aggregate classification (germline): Conflicting classifications of pathogenicity. Review status: criteria provided, conflicting classifications (1 of 4 stars). 4 submissions from 4 submitters: Uncertain significance (2); Likely benign (1). 1 of the submissions does not count toward it. Last evaluated 2023-03-23.

Conditions:
Hereditary breast ovarian cancer syndrome. Also called: Hereditary breast and ovarian cancer; Hereditary breast and ovarian cancer syndrome; Breast and ovarian cancer; Hereditary breast and ovarian cancer syndrome (HBOC); Hereditary breast and/or ovarian cancer syndrome; BRCA1- and BRCA2-Associated Hereditary Breast and Ovarian Cancer. Identifiers: Orphanet 145, MedGen C0677776, MeSH D061325, MONDO:0003582. Disease mechanism: loss of function.
Hereditary cancer-predisposing syndrome. Also called: Hereditary Cancer Syndrome; Neoplastic Syndromes, Hereditary; Tumor predisposition; Hereditary neoplastic syndrome. Identifiers: Orphanet 140162, MedGen C0027672, MeSH D009386, MONDO:0015356.
Breast-ovarian cancer, familial, susceptibility to, 2 (BROVCA2). Also called: BRCA2 Hereditary Breast and Ovarian Cancer. Identifiers: Orphanet 145, MedGen C2675520, MONDO:0012933, OMIM 612555. Disease mechanism: loss of function.

Allele frequency attached by ClinVar (database versions not stated): gnomAD exomes below 0.00001.
gnomAD v4.1: 1 of 1,607,046 alleles (0.000062%); highest among the groups gnomAD compares: Non-Finnish European, 0.000085%; no homozygotes.

Submissions (4):

University of Washington Department of Laboratory Medicine, University of Washington
Classification: Likely benign for Hereditary cancer-predisposing syndrome. Last evaluated: 2023-03-23. Review status: criteria provided, single submitter. Criteria: Dines et al. (Genet Med. 2020). Collection method: curation. Allele origin: germline.
Comment: Missense variant in a coldspot region where missense variants are very unlikely to be pathogenic (PMID:31911673).

BRCA2 exon 11 coldspot. Reclassification based on statistical prior probability.

Labcorp Genetics (formerly Invitae), Labcorp
Classification: Uncertain significance for Hereditary breast ovarian cancer syndrome. Last evaluated: 2020-10-20. Review status: criteria provided, single submitter. Criteria: Invitae Variant Classification Sherloc (09022015). Collection method: clinical testing. Allele origin: germline.
Comment: In summary, the available evidence is currently insufficient to determine the role of this variant in disease. Therefore, it has been classified as a Variant of Uncertain Significance. Algorithms developed to predict the effect of missense changes on protein structure and function (SIFT, PolyPhen-2, Align-GVGD) all suggest that this variant is likely to be tolerated, but these predictions have not been confirmed by published functional studies and their clinical significance is uncertain. This variant has been reported in individuals in the Leiden Open-source Variation Database (PMID: 21520333). ClinVar contains an entry for this variant (Variation ID: 186254). This variant is not present in population databases (ExAC no frequency). This sequence change replaces aspartic acid with glycine at codon 1864 of the BRCA2 protein (p.Asp1864Gly). The aspartic acid residue is weakly conserved and there is a moderate physicochemical difference between aspartic acid and glycine.

Ambry Genetics
Classification: Uncertain significance for Hereditary cancer-predisposing syndrome. Last evaluated: 2018-07-20. Review status: criteria provided, single submitter. Criteria: Ambry Variant Classification Scheme 2023. Collection method: clinical testing. Allele origin: germline.
Comment: The p.D1864G variant (also known as c.5591A>G), located in coding exon 10 of the BRCA2 gene, results from an A to G substitution at nucleotide position 5591. The aspartic acid at codon 1864 is replaced by glycine, an amino acid with similar properties. This amino acid position is not well conserved in available vertebrate species. In addition, this alteration is predicted to be tolerated by in silico analysis. Since supporting evidence is limited at this time, the clinical significance of this alteration remains unclear.

Counsyl
Classification: Uncertain significance for Breast-ovarian cancer, familial, susceptibility to, 2. Last evaluated: 2016-08-22. Review status: no assertion criteria provided. Collection method: clinical testing. Allele origin: unknown. Not counted in ClinVar's aggregate classification.

Literature cited by the submitters: PubMed 21520333 (cited by Labcorp Genetics (formerly Invitae), Labcorp).

NM_000059.4(BRCA2):c.5591A>G (p.Asp1864Gly)

Gene: BRCA2 (BRCA2 DNA repair associated; plus strand). Cytogenetic location: 13q13.1.
Variant type: single nucleotide variant.
Coding change: c.5591A>G on transcript NM_000059.4 (MANE Select); coding-DNA position 5591, A replaced by G.
Protein change: p.Asp1864Gly; replaces aspartic acid 1864 with glycine.
Molecular consequence: missense variant.
Genome position (GRCh38, 1-based): chr13:32,339,946, A>G. VCF-style: chr13-32339946-A-G. GRCh37 (hg19) VCF-style: chr13-32914083-A-G.
Other names: short protein forms D1864G.
Identifiers: ClinVar variation 186254 (VCV000186254.17), dbSNP rs786202808, ClinGen allele CA022654.